The following is an entry in ClinVar:

ClinVar aggregate classification (germline): Uncertain significance (1 of 4 stars; one submission).

Allele frequency attached by ClinVar (database versions not stated): gnomAD exomes below 0.00001; TOPMed below 0.00001.
gnomAD v4.1: 4 of 1,550,778 alleles (0.00026%); highest among the groups gnomAD compares: Non-Finnish European, 0.00035%; no homozygotes.

Submission:

Labcorp Genetics (formerly Invitae), Labcorp
Classification: Uncertain significance. Last evaluated: 2023-08-04. Review status: criteria provided, single submitter. Criteria: Invitae Variant Classification Sherloc (09022015). Collection method: clinical testing. Allele origin: germline.
Comment: An algorithm developed to predict the effect of missense changes on protein structure and function (PolyPhen-2) suggests that this variant is likely to be tolerated. In summary, the available evidence is currently insufficient to determine the role of this variant in disease. Therefore, it has been classified as a Variant of Uncertain Significance. ClinVar contains an entry for this variant (Variation ID: 1912454). This sequence change replaces leucine, which is neutral and non-polar, with phenylalanine, which is neutral and non-polar, at codon 8 of the FBLN5 protein (p.Leu8Phe). This variant is not present in population databases (gnomAD no frequency). This variant has not been reported in the literature in individuals affected with FBLN5-related conditions.

NM_006329.4(FBLN5):c.22C>T (p.Leu8Phe)

Gene: FBLN5 (fibulin 5; minus strand). Cytogenetic location: 14q32.12.
Variant type: single nucleotide variant.
Coding change: c.22C>T on transcript NM_006329.4 (MANE Select); coding-DNA position 22, C replaced by T.
Protein change: p.Leu8Phe; replaces leucine 8 with phenylalanine.
Molecular consequence: missense variant. On other transcripts: 5 prime UTR variant (2).
Genome position (GRCh38, 1-based): chr14:91,942,957, G>A on the plus strand (C>T on the coding strand, the complement: FBLN5 is on the minus strand). VCF-style: chr14-91942957-G-A. GRCh37 (hg19) VCF-style: chr14-92409301-G-A.
Other names: c.22C>T, p.Leu8Phe (NM_001384158.1, NM_001384160.1); c.73C>T, p.Leu25Phe (NM_001384159.1); c.-248C>T (NM_001384161.1, NM_001384162.1); short protein forms L8F, L25F.
Identifiers: ClinVar variation 1912454 (VCV001912454.5), dbSNP rs914056629, ClinGen allele CA265612156.